The following is an entry in ClinVar:

NM_001148.6(ANK2):c.9283A>G (p.Thr3095Ala)

Gene: ANK2 (ankyrin 2; plus strand). Cytogenetic location: 4q26.
Variant type: single nucleotide variant.
Coding change: c.9283A>G on transcript NM_001148.6 (MANE Select); coding-DNA position 9283, A replaced by G.
Protein change: p.Thr3095Ala; replaces threonine 3095 with alanine.
Molecular consequence: missense variant. On other transcripts: intron variant (68).
Genome position (GRCh38, 1-based): chr4:113,357,901, A>G. VCF-style: chr4-113357901-A-G. GRCh37 (hg19) VCF-style: chr4-114279057-A-G.
Other names: c.9049A>G, p.Thr3017Ala (NM_001386142.1); c.5683A>G, p.Thr1895Ala (NM_001386166.1); c.9424A>G, p.Thr3142Ala (NM_001386174.1); c.9400A>G, p.Thr3134Ala (NM_001386175.1); c.4412-2922A>G (NM_001386186.2, NM_001386148.2); c.4214-2922A>G (NM_001354269.3); c.4292-2922A>G (NM_001386187.2); c.4253-2922A>G (NM_001386147.1); and 35 more; short protein forms T3017A, T3095A, T1895A, T3134A, T3142A.
Identifiers: ClinVar variation 5021933 (VCV005021933.1).

ClinVar aggregate classification (germline): Uncertain significance (1 of 4 stars; one submission).

Conditions:
Cardiovascular phenotype. Identifiers: MedGen CN230736.

gnomAD v4.1: 1 of 1,613,988 alleles (0.000062%); highest among the groups gnomAD compares: Non-Finnish European, 0.000085%; no homozygotes.

Submission:

Ambry Genetics
Classification: Uncertain significance for Cardiovascular phenotype. Last evaluated: 2026-07-09. Review status: criteria provided, single submitter. Criteria: Ambry Variant Classification Scheme 2023. Collection method: clinical testing. Allele origin: germline.
Comment: The p.T3095A variant (also known as c.9283A>G), located in coding exon 38 of the ANK2 gene, results from an A to G substitution at nucleotide position 9283. The threonine at codon 3095 is replaced by alanine, an amino acid with similar properties. This amino acid position is conserved. In addition, the in silico prediction for this alteration is inconclusive. Based on the available evidence, the clinical significance of this variant remains unclear.